The following is an entry in ClinVar:

ClinVar aggregate classification (germline): Uncertain significance. Review status: criteria provided, multiple submitters, no conflicts (2 of 4 stars). 2 submissions from 2 submitters: Uncertain significance (2). Last evaluated 2026-09-02.

Conditions:
Hereditary nonpolyposis colorectal neoplasms. Identifiers: MedGen C0009405, MeSH D003123.
Hereditary cancer-predisposing syndrome. Also called: Tumor predisposition; Hereditary neoplastic syndrome; Neoplastic Syndromes, Hereditary; Hereditary Cancer Syndrome. Identifiers: Orphanet 140162, MedGen C0027672, MeSH D009386, MONDO:0015356.

gnomAD v4.1: 3 of 1,614,058 alleles (0.00019%); highest among the groups gnomAD compares: Non-Finnish European, 0.00025%; no homozygotes.

Submissions (2):

Ambry Genetics
Classification: Uncertain significance for Hereditary cancer-predisposing syndrome. Last evaluated: 2026-09-02. Review status: criteria provided, single submitter. Criteria: Ambry Variant Classification Scheme 2023. Collection method: clinical testing. Allele origin: germline.
Comment: The p.L1089F variant (also known as c.3267A>C), located in coding exon 5 of the MSH6 gene, results from an A to C substitution at nucleotide position 3267. The leucine at codon 1089 is replaced by phenylalanine, an amino acid with highly similar properties. This amino acid position is well conserved in available vertebrate species. In addition, the in silico prediction for this alteration is inconclusive. Based on the available evidence, the clinical significance of this variant remains unclear.

Labcorp Genetics (formerly Invitae), Labcorp
Classification: Uncertain significance for Hereditary nonpolyposis colorectal neoplasms. Last evaluated: 2019-12-27. Review status: criteria provided, single submitter. Criteria: Invitae Variant Classification Sherloc (09022015). Collection method: clinical testing. Allele origin: germline.
Comment: This variant has not been reported in the literature in individuals with MSH6-related conditions. In summary, the available evidence is currently insufficient to determine the role of this variant in disease. Therefore, it has been classified as a Variant of Uncertain Significance. Algorithms developed to predict the effect of missense changes on protein structure and function are either unavailable or do not agree on the potential impact of this missense change (SIFT: "Deleterious"; PolyPhen-2: "Benign"; Align-GVGD: "Class C0"). This variant is not present in population databases (ExAC no frequency). This sequence change replaces leucine with phenylalanine at codon 1089 of the MSH6 protein (p.Leu1089Phe). The leucine residue is moderately conserved and there is a small physicochemical difference between leucine and phenylalanine.

NM_000179.3(MSH6):c.3267A>C (p.Leu1089Phe)

Gene: MSH6 (mutS homolog 6; plus strand). Cytogenetic location: 2p16.3.
Variant type: single nucleotide variant.
Coding change: c.3267A>C on transcript NM_000179.3 (MANE Select); coding-DNA position 3267, A replaced by C.
Protein change: p.Leu1089Phe; replaces leucine 1089 with phenylalanine.
Molecular consequence: missense variant.
Genome position (GRCh38, 1-based): chr2:47,803,514, A>C. VCF-style: chr2-47803514-A-C. GRCh37 (hg19) VCF-style: chr2-48030653-A-C.
Other names: c.2877A>C, p.Leu959Phe (NM_001281492.2); c.2361A>C, p.Leu787Phe (NM_001281493.2, NM_001281494.2); short protein forms L1089F, L787F, L959F.
Identifiers: ClinVar variation 858354 (VCV000858354.12), dbSNP rs1303047277, ClinGen allele CA346758190.